The following is an entry in ClinVar:

ClinVar aggregate classification (germline): Uncertain significance (1 of 4 stars; one submission).

Allele frequency attached by ClinVar (database versions not stated): gnomAD exomes below 0.00001; TOPMed 0.00001.
gnomAD v4.1: 1 of 1,614,064 alleles (0.000062%); highest among the groups gnomAD compares: Admixed American, 0.0017%; no homozygotes.

Submission:

Labcorp Genetics (formerly Invitae), Labcorp
Classification: Uncertain significance. Last evaluated: 2023-12-11. Review status: criteria provided, single submitter. Criteria: Invitae Variant Classification Sherloc (09022015). Collection method: clinical testing. Allele origin: germline.
Comment: This sequence change replaces proline, which is neutral and non-polar, with leucine, which is neutral and non-polar, at codon 3099 of the CENPF protein (p.Pro3099Leu). The frequency data for this variant in the population databases is considered unreliable, as metrics indicate poor data quality at this position in the gnomAD database. This variant has not been reported in the literature in individuals affected with CENPF-related conditions. ClinVar contains an entry for this variant (Variation ID: 1715736). Algorithms developed to predict the effect of missense changes on protein structure and function output the following: SIFT: "Not Available"; PolyPhen-2: "Benign"; Align-GVGD: "Not Available". The leucine amino acid residue is found in multiple mammalian species, which suggests that this missense change does not adversely affect protein function. In summary, the available evidence is currently insufficient to determine the role of this variant in disease. Therefore, it has been classified as a Variant of Uncertain Significance.

NM_016343.4(CENPF):c.9296C>T (p.Pro3099Leu)

Gene: CENPF (centromere protein F; plus strand). Cytogenetic location: 1q41.
Variant type: single nucleotide variant.
Coding change: c.9296C>T on transcript NM_016343.4 (MANE Select); coding-DNA position 9296, C replaced by T.
Protein change: p.Pro3099Leu; replaces proline 3099 with leucine.
Molecular consequence: missense variant.
Genome position (GRCh38, 1-based): chr1:214,663,745, C>T. VCF-style: chr1-214663745-C-T. GRCh37 (hg19) VCF-style: chr1-214837088-C-T.
Other names: short protein forms P3099L.
Identifiers: ClinVar variation 1715736 (VCV001715736.6), dbSNP rs1302834585, ClinGen allele CA344860209.